The following is an entry in ClinVar:

NM_004360.5(CDH1):c.2573A>T (p.Asp858Val)

Gene: CDH1 (cadherin 1; plus strand). Cytogenetic location: 16q22.1.
Variant type: single nucleotide variant.
Coding change: c.2573A>T on transcript NM_004360.5 (MANE Select); coding-DNA position 2573, A replaced by T.
Protein change: p.Asp858Val; replaces aspartic acid 858 with valine.
Molecular consequence: missense variant.
Genome position (GRCh38, 1-based): chr16:68,833,423, A>T. VCF-style: chr16-68833423-A-T. GRCh37 (hg19) VCF-style: chr16-68867326-A-T.
Other names: c.2390A>T, p.Asp797Val (NM_001317184.2); c.1025A>T, p.Asp342Val (NM_001317185.2); c.608A>T, p.Asp203Val (NM_001317186.2); short protein forms D203V, D342V, D797V, D858V.
Identifiers: ClinVar variation 1793273 (VCV001793273.2), dbSNP rs1961541678, ClinGen allele CA396472522.

ClinVar aggregate classification (germline): Uncertain significance (1 of 4 stars; one submission).

Conditions:
Hereditary cancer-predisposing syndrome. Also called: Tumor predisposition; Hereditary Cancer Syndrome; Neoplastic Syndromes, Hereditary; Hereditary neoplastic syndrome. Identifiers: Orphanet 140162, MedGen C0027672, MeSH D009386, MONDO:0015356.

Submission:

Ambry Genetics
Classification: Uncertain significance for Hereditary cancer-predisposing syndrome. Last evaluated: 2022-10-12. Review status: criteria provided, single submitter. Criteria: Ambry Variant Classification Scheme 2023. Collection method: clinical testing. Allele origin: germline.
Comment: The p.D858V variant (also known as c.2573A>T), located in coding exon 16 of the CDH1 gene, results from an A to T substitution at nucleotide position 2573. The aspartic acid at codon 858 is replaced by valine, an amino acid with highly dissimilar properties. This alteration was identified in 2/1358 non-cancer control individuals and in 0/57 cases, in a study looking at cancer predisposition mutations in patients with cutaneous melanoma and a history of at least two additional non-cutaneous melanoma primary cancers (Pritchard AL et al. PLoS One, 2018 Apr;13:e0194098). This amino acid position is well conserved in available vertebrate species. In addition, this alteration is predicted to be deleterious by in silico analysis. Since supporting evidence is limited at this time, the clinical significance of this alteration remains unclear.

Literature cited by the submitters: PubMed 29641532.